The following is an entry in ClinVar:

NM_001104631.2(PDE4D):c.*4660C>T

Gene: PDE4D (phosphodiesterase 4D; minus strand). Cytogenetic location: 5q11.2.
Variant type: single nucleotide variant.
Coding change: c.*4660C>T on transcript NM_001104631.2 (MANE Select); 4660 bases downstream of the stop codon, C replaced by T.
Molecular consequence: 3 prime UTR variant.
Genome position (GRCh38, 1-based): chr5:58,970,004, G>A on the plus strand (C>T on the coding strand, the complement: PDE4D is on the minus strand). VCF-style: chr5-58970004-G-A. GRCh37 (hg19) VCF-style: chr5-58265831-G-A.
Other names: c.*4660C>T (NM_001165899.2, NM_001197218.2, NM_001197219.2 and 11 more transcripts).
Identifiers: ClinVar variation 353919 (VCV000353919.5), dbSNP rs79996648, ClinGen allele CA10622010.

ClinVar aggregate classification (germline): Benign (1 of 4 stars; one submission).

Conditions:
Acrodysostosis 2 with or without hormone resistance. Also called: ACRODYSOSTOSIS 2 WITH HORMONE RESISTANCE; ACRODYSOSTOSIS 2 WITHOUT HORMONE RESISTANCE. Identifiers: Orphanet 280651, MedGen C3553250, MONDO:0013822, OMIM 614613.

Allele frequency attached by ClinVar (database versions not stated): gnomAD 0.03487 and 0.03708; TOPMed 0.03894; 1000 Genomes Project 0.04113; 1000 Genomes Project 30x 0.04372.

Submission:

Illumina Laboratory Services, Illumina
Classification: Benign for Acrodysostosis 2 with or without hormone resistance. Last evaluated: 2018-01-12. Review status: criteria provided, single submitter. Criteria: ICSL Variant Classification Criteria 13 December 2019. Collection method: clinical testing. Allele origin: germline.
Comment: This variant was observed in the ICSL laboratory as part of a predisposition screen in an ostensibly healthy population. It had not been previously curated by ICSL or reported in the Human Gene Mutation Database (HGMD: prior to June 1st, 2018), and was therefore a candidate for classification through an automated scoring system. Utilizing variant allele frequency, disease prevalence and penetrance estimates, and inheritance mode, an automated score was calculated to assess if this variant is too frequent to cause the disease. Based on the score and internal cut-off values, a variant classified as benign is not then subjected to further curation. The score for this variant resulted in a classification of benign for this disease.